The following is an entry in ClinVar:

NM_000051.4(ATM):c.8169A>G (p.Arg2723=)

Genes: ATM (ATM serine/threonine kinase; plus strand), C11orf65 (chromosome 11 open reading frame 65; minus strand). Cytogenetic location: 11q22.3.
Variant type: single nucleotide variant.
Coding change: c.8169A>G on transcript NM_000051.4 (MANE Select); coding-DNA position 8169, A replaced by G.
Protein change: p.Arg2723=; no amino-acid change (arginine 2723 retained).
Molecular consequence: synonymous variant. On other transcripts: intron variant (2).
Genome position (GRCh38, 1-based): chr11:108,335,862, A>G. VCF-style: chr11-108335862-A-G. GRCh37 (hg19) VCF-style: chr11-108206589-A-G.
Other names: c.8169A>G, p.Arg2723= (NM_001351834.2); c.641-26791T>C (NM_001330368.2); c.695-570T>C (NM_001351110.2).
Identifiers: ClinVar variation 1088473 (VCV001088473.11), dbSNP rs780495319, ClinGen allele CA6266315.

ClinVar aggregate classification (germline): Benign/Likely benign. Review status: criteria provided, multiple submitters, no conflicts (2 of 4 stars). 3 submissions from 3 submitters: Benign (1); Likely benign (2). Last evaluated 2026-01-24.

Conditions:
Familial cancer of breast. Also called: Hereditary breast cancer; hereditary breast carcinoma; BREAST CANCER, FAMILIAL. Identifiers: Orphanet 227535, MedGen C0346153, MONDO:0016419, OMIM 114480. Disease mechanism: loss of function.
Ataxia-telangiectasia syndrome (AT). Also called: Ataxia telangiectasia (A-T); ATAXIA-TELANGIECTASIA, COMPLEMENTATION GROUP A; ATAXIA-TELANGIECTASIA, FRESNO VARIANT; Ataxia-telangiectasia; Ataxia-telangiectasia, complementation group E; LOUIS-BAR SYNDROME. Identifiers: Orphanet 100, MedGen C0004135, MONDO:0008840, OMIM 208900.

Allele frequency attached by ClinVar (database versions not stated): ExAC 0.00003; gnomAD exomes 0.00002 and 0.00001.
gnomAD v4.1: 17 of 1,613,876 alleles (0.0011%); highest among the groups gnomAD compares: South Asian, 0.018%; no homozygotes.

Submissions (3):

Labcorp Genetics (formerly Invitae), Labcorp
Classification: Likely benign for Ataxia-telangiectasia syndrome. Last evaluated: 2026-01-24. Review status: criteria provided, single submitter. Criteria: Invitae Variant Classification Sherloc (09022015). Collection method: clinical testing. Allele origin: germline.

Myriad Genetics, Inc.
Classification: Benign for Familial cancer of breast. Last evaluated: 2024-06-18. Review status: criteria provided, single submitter. Criteria: Myriad Autosomal Dominant, Autosomal Recessive and X-Linked Classification Criteria (2023). Collection method: clinical testing. Allele origin: unknown.
Comment: This variant is considered benign. This variant is a silent/synonymous amino acid change and it is not expected to impact splicing.

Blueprint Genetics
Classification: Likely benign. Last evaluated: 2022-12-22. Review status: criteria provided, single submitter. Criteria: ACMG Guidelines, 2015. Collection method: clinical testing. Allele origin: germline.